The following is an entry in ClinVar:

NM_020987.5(ANK3):c.6412C>G (p.Pro2138Ala)

Gene: ANK3 (ankyrin 3; minus strand). Cytogenetic location: 10q21.2.
Variant type: single nucleotide variant.
Coding change: c.6412C>G on transcript NM_020987.5 (MANE Select); coding-DNA position 6412, C replaced by G.
Protein change: p.Pro2138Ala; replaces proline 2138 with alanine.
Molecular consequence: missense variant. On other transcripts: intron variant (4).
Genome position (GRCh38, 1-based): chr10:60,074,469, G>C on the plus strand (C>G on the coding strand, the complement: ANK3 is on the minus strand). VCF-style: chr10-60074469-G-C. GRCh37 (hg19) VCF-style: chr10-61834227-G-C.
Other names: c.4387+6068C>G (NM_001204403.2); c.4408+6068C>G (NM_001204404.2); c.4405+6068C>G (NM_001320874.2); c.1807+6068C>G (NM_001149.4); short protein forms P2138A.
Identifiers: ClinVar variation 2876184 (VCV002876184.3), dbSNP rs1379152478, ClinGen allele CA377013386.

ClinVar aggregate classification (germline): Uncertain significance (1 of 4 stars; one submission).

Submission:

Labcorp Genetics (formerly Invitae), Labcorp
Classification: Uncertain significance. Last evaluated: 2023-06-19. Review status: criteria provided, single submitter. Criteria: Invitae Variant Classification Sherloc (09022015). Collection method: clinical testing. Allele origin: germline.
Comment: This sequence change replaces proline, which is neutral and non-polar, with alanine, which is neutral and non-polar, at codon 2138 of the ANK3 protein (p.Pro2138Ala). This variant is not present in population databases (gnomAD no frequency). This variant has not been reported in the literature in individuals affected with ANK3-related conditions. Advanced modeling of protein sequence and biophysical properties (such as structural, functional, and spatial information, amino acid conservation, physicochemical variation, residue mobility, and thermodynamic stability) performed at Invitae indicates that this missense variant is expected to disrupt ANK3 protein function. In summary, the available evidence is currently insufficient to determine the role of this variant in disease. Therefore, it has been classified as a Variant of Uncertain Significance.